The following is an entry in ClinVar:

ClinVar aggregate classification (germline): Uncertain significance. Review status: criteria provided, multiple submitters, no conflicts (2 of 4 stars). 2 submissions from 2 submitters: Uncertain significance (2). Last evaluated 2024-11-29.

Conditions:
Kabuki syndrome 1 (KABUK1). Also called: KMT2D-Related Kabuki Syndrome. Identifiers: Orphanet 2322, MedGen CN030661, MONDO:0007843, OMIM 147920.
Choanal atresia-athelia-hypothyroidism-delayed puberty-short stature syndrome (BCAHH). Also called: BRANCHIAL ARCH ABNORMALITIES, CHOANAL ATRESIA, ATHELIA, HEARING LOSS, AND HYPOTHYROIDISM SYNDROME. Identifiers: Orphanet 589856, MedGen C5680310, MONDO:0035651, OMIM 620186.
KMT2D-related disorder. Also called: KMT2D-Related Disorders.

Submissions (2):

PreventionGenetics, part of Exact Sciences
Classification: Uncertain significance for KMT2D-related condition. Last evaluated: 2024-11-29. Review status: criteria provided, single submitter. Criteria: ACMG Guidelines, 2015. Collection method: clinical testing. Allele origin: germline.
Comment: The KMT2D c.6889C>A variant is predicted to result in the amino acid substitution p.Pro2297Thr. To our knowledge, this variant has not been reported in the literature or in a large population database (gnomAD), indicating this variant is rare. At this time, the clinical significance of this variant is uncertain due to the absence of conclusive functional and genetic evidence.

Fulgent Genetics
Classification: Uncertain significance for Kabuki syndrome 1; Choanal atresia-athelia-hypothyroidism-delayed puberty-short stature syndrome. Last evaluated: 2024-05-12. Review status: criteria provided, single submitter. Criteria: ACMG Guidelines, 2015. Collection method: clinical testing. Allele origin: germline.

NM_003482.4(KMT2D):c.6889C>A (p.Pro2297Thr)

Gene: KMT2D (lysine methyltransferase 2D; minus strand). Cytogenetic location: 12q13.12.
Variant type: single nucleotide variant.
Coding change: c.6889C>A on transcript NM_003482.4 (MANE Select); coding-DNA position 6889, C replaced by A.
Protein change: p.Pro2297Thr; replaces proline 2297 with threonine.
Molecular consequence: missense variant.
Genome position (GRCh38, 1-based): chr12:49,040,881, G>T on the plus strand (C>A on the coding strand, the complement: KMT2D is on the minus strand). VCF-style: chr12-49040881-G-T. GRCh37 (hg19) VCF-style: chr12-49434664-G-T.
Other names: short protein forms P2297T.
Identifiers: ClinVar variation 3574780 (VCV003574780.2).